The following is an entry in ClinVar:

ClinVar aggregate classification (germline): Likely benign (1 of 4 stars; one submission).

Conditions:
SEMA3D-related disorder. Also called: SEMA3D-related condition.

Submission:

PreventionGenetics, part of Exact Sciences
Classification: Likely benign for SEMA3D-related condition. Last evaluated: 2025-11-19. Review status: criteria provided, single submitter. Criteria: ACMG Guidelines, 2015. Collection method: clinical testing. Allele origin: germline.
Comment: This variant is classified as likely benign based on ACMG/AMP sequence variant interpretation guidelines (Richards et al. 2015 PMID: 25741868, with internal and published modifications).

NM_001384900.1(SEMA3D):c.2287A>C (p.Arg763=)

Genes: SEMA3D (semaphorin 3D; minus strand), LOC126860094 (BRD4-independent group 4 enhancer GRCh37_chr7:84628763-84629962; plus strand). Cytogenetic location: 7q21.11.
Variant type: single nucleotide variant.
Coding change: c.2287A>C on transcript NM_001384900.1 (MANE Select); coding-DNA position 2287, A replaced by C.
Protein change: p.Arg763=; no amino-acid change (arginine 763 retained).
Molecular consequence: synonymous variant.
Genome position (GRCh38, 1-based): chr7:84,999,487, T>G on the plus strand (A>C on the coding strand, the complement: SEMA3D is on the minus strand). VCF-style: chr7-84999487-T-G. GRCh37 (hg19) VCF-style: chr7-84628803-T-G.
Other names: c.2287A>C, p.Arg763= (NM_001384901.1, NM_001384902.1, NM_001384903.1 and 1 more transcripts).
Identifiers: ClinVar variation 4994125 (VCV004994125.1).
Genomic context (GRCh38, chr7:84,999,487, plus strand): 5'-ATTAAGTAGAAAACTACGTGGCTACAGCTCTAGGGAGCTCATCCAGGTCTCTGTGATGTC[T>G]TCGATTTCGTTTCTTCTTCATTTCCTGCATGTGCTTCCACTTTGGGCCCCCCTTGTTTCT-3'
Protein context (NP_001371829.1, residues 753-773): MQEMKKKRNR[Arg763=]HHRDLDELPR